The following is an entry in ClinVar:

ClinVar aggregate classification (germline): Uncertain significance. Review status: criteria provided, multiple submitters, no conflicts (2 of 4 stars). 2 submissions from 2 submitters: Uncertain significance (2). Last evaluated 2022-11-15.

Conditions:
Sulfite oxidase deficiency due to molybdenum cofactor deficiency type A. Also called: Molybdenum cofactor deficiency, complementation group A; Molybdenum Cofactor Deficiency A. Identifiers: Orphanet 308386, Orphanet 833, MedGen C1854988, MONDO:0009643, OMIM 252150.

Allele frequency attached by ClinVar (database versions not stated): gnomAD 0.00001; TOPMed 0.00001.

Submissions (2):

Blueprint Genetics
Classification: Uncertain significance. Last evaluated: 2022-11-15. Review status: criteria provided, single submitter. Criteria: ACMG Guidelines, 2015. Collection method: clinical testing. Allele origin: germline.

Labcorp Genetics (formerly Invitae), Labcorp
Classification: Uncertain significance for Sulfite oxidase deficiency due to molybdenum cofactor deficiency type A. Last evaluated: 2022-07-15. Review status: criteria provided, single submitter. Criteria: Invitae Variant Classification Sherloc (09022015). Collection method: clinical testing. Allele origin: germline.
Comment: This sequence change replaces alanine, which is neutral and non-polar, with glycine, which is neutral and non-polar, at codon 322 of the MOCS1 protein (p.Ala322Gly). This variant is present in population databases (no rsID available, gnomAD 0.002%). This variant has not been reported in the literature in individuals affected with MOCS1-related conditions. Algorithms developed to predict the effect of missense changes on protein structure and function are either unavailable or do not agree on the potential impact of this missense change (SIFT: "Not Available"; PolyPhen-2: "Probably Damaging"; Align-GVGD: "Not Available"). In summary, the available evidence is currently insufficient to determine the role of this variant in disease. Therefore, it has been classified as a Variant of Uncertain Significance.

NM_001358530.2(MOCS1):c.965C>G (p.Ala322Gly)

Gene: MOCS1 (molybdenum cofactor synthesis 1; minus strand). Cytogenetic location: 6p21.2.
Variant type: single nucleotide variant.
Coding change: c.965C>G on transcript NM_001358530.2 (MANE Select); coding-DNA position 965, C replaced by G.
Protein change: p.Ala322Gly; replaces alanine 322 with glycine.
Molecular consequence: missense variant. On other transcripts: non-coding transcript variant (1).
Genome position (GRCh38, 1-based): chr6:39,912,280, G>C on the plus strand (C>G on the coding strand, the complement: MOCS1 is on the minus strand). VCF-style: chr6-39912280-G-C. GRCh37 (hg19) VCF-style: chr6-39880024-G-C.
Other names: c.965C>G, p.Ala322Gly (NM_001075098.4, NM_001358529.2, NM_005943.6); c.704C>G, p.Ala235Gly (NM_001358531.2, NM_001358533.2, NM_001358534.2); short protein forms A235G, A322G.
Identifiers: ClinVar variation 2198390 (VCV002198390.2), dbSNP rs1046224341, ClinGen allele CA137649752.